The following is an entry in ClinVar:

ClinVar aggregate classification (germline): Uncertain significance (1 of 4 stars; one submission).

Allele frequency attached by ClinVar (database versions not stated): gnomAD exomes 0.00002.
gnomAD v4.1: 27 of 1,555,856 alleles (0.0017%); highest among the groups gnomAD compares: Non-Finnish European, 0.0021%; no homozygotes.

Submission:

GeneDx
Classification: Uncertain significance. Last evaluated: 2024-10-15. Review status: criteria provided, single submitter. Criteria: GeneDx Variant Classification Process June 2021. Collection method: clinical testing. Allele origin: germline. Affected: yes.
Comment: Not observed at significant frequency in large population cohorts (gnomAD); In silico analysis supports that this missense variant has a deleterious effect on protein structure/function; Has not been previously published as pathogenic or benign to our knowledge

NM_000540.3(RYR1):c.12749T>C (p.Ile4250Thr)

Gene: RYR1 (ryanodine receptor 1; plus strand). Cytogenetic location: 19q13.2.
Variant type: single nucleotide variant.
Coding change: c.12749T>C on transcript NM_000540.3 (MANE Select); coding-DNA position 12749, T replaced by C.
Protein change: p.Ile4250Thr; replaces isoleucine 4250 with threonine.
Molecular consequence: missense variant.
Genome position (GRCh38, 1-based): chr19:38,565,083, T>C. VCF-style: chr19-38565083-T-C. GRCh37 (hg19) VCF-style: chr19-39055723-T-C.
Other names: c.12734T>C, p.Ile4245Thr (NM_001042723.2); short protein forms I4250T, I4245T.
Identifiers: ClinVar variation 450311 (VCV000450311.3), dbSNP rs1316713022, ClinGen allele CA405671070.